The following is an entry in ClinVar:

NM_001042492.3(NF1):c.6095C>T (p.Ala2032Val)

Gene: NF1 (neurofibromin 1; plus strand). Cytogenetic location: 17q11.2.
Variant type: single nucleotide variant.
Coding change: c.6095C>T on transcript NM_001042492.3 (MANE Select); coding-DNA position 6095, C replaced by T.
Protein change: p.Ala2032Val; replaces alanine 2032 with valine.
Molecular consequence: missense variant.
Genome position (GRCh38, 1-based): chr17:31,336,421, C>T. VCF-style: chr17-31336421-C-T. GRCh37 (hg19) VCF-style: chr17-29663439-C-T.
Other names: c.6032C>T, p.Ala2011Val (NM_000267.4); short protein forms A2011V, A2032V.
Identifiers: ClinVar variation 3342683 (VCV003342683.2).
Genomic context (GRCh38, chr17:31,336,421, plus strand): 5'-ACAGTTTCATCAAAACCAGTGCAACAGGTGGCTTGGGATCAATAAAAGCTGAGGTGATGG[C>T]AGATACTGCTGTAGCTTTGGCTTCTGGAAATGTGAAATTGGTTTCAAGCAAGGTAATCAC-3'
Protein context (NP_001035957.1, residues 2022-2042): GLGSIKAEVM[Ala2032Val]DTAVALASGN

ClinVar aggregate classification (germline): Likely pathogenic (1 of 4 stars; one submission).

gnomAD v4.1: 1 of 1,614,044 alleles (0.000062%); highest among the groups gnomAD compares: Non-Finnish European, 0.000085%; no homozygotes.

Submission:

GeneDx
Classification: Likely pathogenic. Last evaluated: 2026-06-11. Review status: criteria provided, single submitter. Criteria: GeneDx Variant Classification Process June 2021. Collection method: clinical testing. Allele origin: germline.
Comment: In silico analysis supports that this missense variant has a deleterious effect on protein structure/function; Has not been previously published as pathogenic or benign to our knowledge; Not observed at significant frequency in large population cohorts (gnomAD)